The following is an entry in ClinVar:

ClinVar aggregate classification (germline): Uncertain significance (1 of 4 stars; one submission).

Conditions:
Very long chain acyl-CoA dehydrogenase deficiency (ACADVLD). Also called: Very Long-Chain Acyl-Coenzyme A Dehydrogenase Deficiency; VLCAD Deficiency. Identifiers: Orphanet 26793, MedGen C3887523, MONDO:0008723, OMIM 201475.

Submission:

Wong Mito Lab, Molecular and Human Genetics, Baylor College of Medicine
Classification: Uncertain significance for Very long chain acyl-CoA dehydrogenase deficiency. Last evaluated: 2019-11-01. Review status: criteria provided, single submitter. Criteria: ACMG Guidelines, 2015. Collection method: clinical testing. Allele origin: germline.
Comment: The NM_000018.3:c.1387G>C (NP_000009.1:p.Gly463Arg) [GRCH38: NC_000017.11:g.7224022G>C] variant in ACADVL gene is interpretated to be Uncertain Significance based on ACMG guidelines (PMID: 25741868). This variant has been reported. This variant meets the following evidence codes reported in the ACMG guidelines: PP3

NM_000018.4(ACADVL):c.1387G>C (p.Gly463Arg)

Gene: ACADVL (acyl-CoA dehydrogenase very long chain; plus strand). Cytogenetic location: 17p13.1.
Variant type: single nucleotide variant.
Coding change: c.1387G>C on transcript NM_000018.4 (MANE Select); coding-DNA position 1387, G replaced by C.
Protein change: p.Gly463Arg; replaces glycine 463 with arginine.
Molecular consequence: missense variant.
Genome position (GRCh38, 1-based): chr17:7,224,022, G>C. VCF-style: chr17-7224022-G-C. GRCh37 (hg19) VCF-style: chr17-7127341-G-C.
Other names: c.1321G>C, p.Gly441Arg (NM_001033859.3); c.1456G>C, p.Gly486Arg (NM_001270447.2); c.1159G>C, p.Gly387Arg (NM_001270448.2); short protein forms G441R, G387R, G463R, G486R.
Identifiers: ClinVar variation 932771 (VCV000932771.2), dbSNP rs2071355667, ClinGen allele CA397725009.